The following is an entry in ClinVar:

ClinVar aggregate classification (germline): Benign/Likely benign. Review status: criteria provided, multiple submitters, no conflicts (2 of 4 stars). 6 submissions from 6 submitters: Benign (4); Likely benign (2). Last evaluated 2026-09-01.

Conditions:
Spermatogenic failure 18. Identifiers: MedGen C4539783, MONDO:0054615, OMIM 617576.
Ciliary dyskinesia, primary, 37 (CILD37). Also called: CILIARY DYSKINESIA, PRIMARY, 37, WITH OR WITHOUT SITUS INVERSUS. Identifiers: MedGen C4539798, MONDO:0033204, OMIM 617577.

Allele frequency attached by ClinVar (database versions not stated): 1000 Genomes Project 0.00839; 1000 Genomes Project 30x 0.00890; gnomAD 0.01764 and 0.01825; TOPMed 0.01834; gnomAD exomes 0.01860 and 0.02633; ExAC 0.01893; ESP Exome Variant Server 0.02143.
gnomAD v4.1: 40,902 of 1,613,938 alleles (2.5%); highest among the groups gnomAD compares: Non-Finnish European, 3%; 619 homozygotes.

Submissions (6):

CeGaT Center for Human Genetics Tuebingen
Classification: Benign. Last evaluated: 2026-09-01. Review status: criteria provided, single submitter. Criteria: CeGaT Center For Human Genetics Tuebingen Variant Classification Criteria Version 2. Collection method: clinical testing. Allele origin: germline. Affected: yes. Observed: 14 variant alleles.
Comment: DNAH1: BP4, BS1, BS2

Labcorp Genetics (formerly Invitae), Labcorp
Classification: Benign for Ciliary dyskinesia, primary, 37; Spermatogenic failure 18. Last evaluated: 2026-02-01. Review status: criteria provided, single submitter. Criteria: Invitae Variant Classification Sherloc (09022015). Collection method: clinical testing. Allele origin: germline.

ARUP Laboratories, Molecular Genetics and Genomics, ARUP Laboratories
Classification: Benign. Last evaluated: 2025-06-16. Review status: criteria provided, single submitter. Criteria: ARUP Molecular Germline Variant Investigation Process 2024. Collection method: clinical testing. Allele origin: germline.

Mayo Clinic Laboratories, Mayo Clinic
Classification: Benign. Last evaluated: 2024-07-25. Review status: criteria provided, single submitter. Criteria: ACMG Guidelines, 2015. Collection method: clinical testing. Allele origin: germline. Observed: 9 variant alleles.
Comment: BS1, BS2, BP4

GeneDx
Classification: Likely benign. Last evaluated: 2018-07-09. Review status: criteria provided, single submitter. Criteria: GeneDx Variant Classification Process June 2021. Collection method: clinical testing. Allele origin: germline. Affected: yes.
Comment: This variant is associated with the following publications: (PMID: 31213628, 29449551)

Breakthrough Genomics
Classification: Likely benign. Review status: criteria provided, single submitter. Criteria: ACMG Guidelines, 2015. Collection method: not provided. Allele origin: germline. Inheritance: Autosomal recessive inheritance. Affected: yes.

Literature cited by the submitters: PubMed 29449551 (cited by Mayo Clinic Laboratories, Mayo Clinic); PubMed 31213628 (cited by Mayo Clinic Laboratories, Mayo Clinic).

NM_015512.5(DNAH1):c.4531G>A (p.Val1511Met)

Gene: DNAH1 (dynein axonemal heavy chain 1; plus strand). Cytogenetic location: 3p21.1.
Variant type: single nucleotide variant.
Coding change: c.4531G>A on transcript NM_015512.5 (MANE Select); coding-DNA position 4531, G replaced by A.
Protein change: p.Val1511Met; replaces valine 1511 with methionine.
Molecular consequence: missense variant.
Genome position (GRCh38, 1-based): chr3:52,360,039, G>A. VCF-style: chr3-52360039-G-A. GRCh37 (hg19) VCF-style: chr3-52394055-G-A.
Other names: p.Val1511Met; short protein forms V1511M.
Identifiers: ClinVar variation 478449 (VCV000478449.39), dbSNP rs61734638, ClinGen allele CA2433931.